The following is an entry in ClinVar:

ClinVar aggregate classification (germline): Uncertain significance (1 of 4 stars; one submission).

Submission:

GeneDx
Classification: Uncertain significance. Last evaluated: 2025-10-02. Review status: criteria provided, single submitter. Criteria: GeneDx Variant Classification Process June 2021. Collection method: clinical testing. Allele origin: germline.
Comment: Not observed at significant frequency in large population cohorts (gnomAD); In silico analysis supports that this missense variant has a deleterious effect on protein structure/function; Has not been previously published as pathogenic or benign to our knowledge

NM_024496.4(IRF2BPL):c.2197G>T (p.Val733Phe)

Gene: IRF2BPL (interferon regulatory factor 2 binding protein like; minus strand). Cytogenetic location: 14q24.3.
Variant type: single nucleotide variant.
Coding change: c.2197G>T on transcript NM_024496.4 (MANE Select); coding-DNA position 2197, G replaced by T.
Protein change: p.Val733Phe; replaces valine 733 with phenylalanine.
Molecular consequence: missense variant.
Genome position (GRCh38, 1-based): chr14:77,025,596, C>A on the plus strand (G>T on the coding strand, the complement: IRF2BPL is on the minus strand). VCF-style: chr14-77025596-C-A. GRCh37 (hg19) VCF-style: chr14-77491939-C-A.
Other names: short protein forms V733F.
Identifiers: ClinVar variation 3365043 (VCV003365043.2).